The following is an entry in ClinVar:

NM_181507.2(HPS5):c.1490G>C (p.Cys497Ser)

Gene: HPS5 (HPS5 biogenesis of lysosomal organelles complex 2 subunit 2; minus strand). Cytogenetic location: 11p15.1.
Variant type: single nucleotide variant.
Coding change: c.1490G>C on transcript NM_181507.2 (MANE Select); coding-DNA position 1490, G replaced by C.
Protein change: p.Cys497Ser; replaces cysteine 497 with serine.
Molecular consequence: missense variant.
Genome position (GRCh38, 1-based): chr11:18,296,818, C>G on the plus strand (G>C on the coding strand, the complement: HPS5 is on the minus strand). VCF-style: chr11-18296818-C-G. GRCh37 (hg19) VCF-style: chr11-18318365-C-G.
Other names: c.1148G>C, p.Cys383Ser (NM_007216.4, NM_181508.2); short protein forms C497S, C383S.
Identifiers: ClinVar variation 1354631 (VCV001354631.5), dbSNP rs750276551, ClinGen allele CA5910132.

ClinVar aggregate classification (germline): Uncertain significance (1 of 4 stars; one submission).

Allele frequency attached by ClinVar (database versions not stated): gnomAD exomes below 0.00001 and 0.00001; ExAC 0.00001.
gnomAD v4.1: 9 of 1,614,134 alleles (0.00056%); highest among the groups gnomAD compares: Non-Finnish European, 0.00076%; no homozygotes.

Submission:

Labcorp Genetics (formerly Invitae), Labcorp
Classification: Uncertain significance. Last evaluated: 2022-08-16. Review status: criteria provided, single submitter. Criteria: Invitae Variant Classification Sherloc (09022015). Collection method: clinical testing. Allele origin: germline.
Comment: This sequence change replaces cysteine, which is neutral and slightly polar, with serine, which is neutral and polar, at codon 497 of the HPS5 protein (p.Cys497Ser). This variant is present in population databases (rs750276551, gnomAD 0.0009%). This variant has not been reported in the literature in individuals affected with HPS5-related conditions. ClinVar contains an entry for this variant (Variation ID: 1354631). Algorithms developed to predict the effect of missense changes on protein structure and function (SIFT, PolyPhen-2, Align-GVGD) all suggest that this variant is likely to be tolerated. In summary, the available evidence is currently insufficient to determine the role of this variant in disease. Therefore, it has been classified as a Variant of Uncertain Significance.